The following is an entry in ClinVar:

ClinVar aggregate classification (germline): Uncertain significance (1 of 4 stars; one submission).

Conditions:
Pitt-Hopkins-like syndrome 2 (PTHSL2). Identifiers: Orphanet 221150, Orphanet 600663, MedGen C3280479, MONDO:0013690, OMIM 614325.

Submission:

Labcorp Genetics (formerly Invitae), Labcorp
Classification: Uncertain significance for Pitt-Hopkins-like syndrome 2. Last evaluated: 2022-03-29. Review status: criteria provided, single submitter. Criteria: Invitae Variant Classification Sherloc (09022015). Collection method: clinical testing. Allele origin: germline.
Comment: In summary, the available evidence is currently insufficient to determine the role of this variant in disease. Therefore, it has been classified as a Variant of Uncertain Significance. Algorithms developed to predict the effect of missense changes on protein structure and function are either unavailable or do not agree on the potential impact of this missense change (SIFT: "Deleterious"; PolyPhen-2: "Benign"; Align-GVGD: "Class C45"). This variant has not been reported in the literature in individuals affected with NRXN1-related conditions. This variant is not present in population databases (gnomAD no frequency). This sequence change replaces asparagine, which is neutral and polar, with serine, which is neutral and polar, at codon 1248 of the NRXN1 protein (p.Asn1248Ser).

NM_001330078.2(NRXN1):c.3623A>G (p.Asn1208Ser)

Gene: NRXN1 (neurexin 1; minus strand). Cytogenetic location: 2p16.3.
Variant type: single nucleotide variant.
Coding change: c.3623A>G on transcript NM_001330078.2 (MANE Select); coding-DNA position 3623, A replaced by G.
Protein change: p.Asn1208Ser; replaces asparagine 1208 with serine.
Molecular consequence: missense variant.
Genome position (GRCh38, 1-based): chr2:50,091,418, T>C on the plus strand (A>G on the coding strand, the complement: NRXN1 is on the minus strand). VCF-style: chr2-50091418-T-C. GRCh37 (hg19) VCF-style: chr2-50318556-T-C.
Other names: c.3743A>G, p.Asn1248Ser (NM_001135659.3); c.3599A>G, p.Asn1200Ser (NM_001330077.2, NM_001330082.2); c.3557A>G, p.Asn1186Ser (NM_001330083.2, NM_001330084.2); c.3596A>G, p.Asn1199Ser (NM_001330085.2); c.3623A>G, p.Asn1208Ser (NM_001330086.2, NM_004801.6); c.3512A>G, p.Asn1171Ser (NM_001330087.2, NM_001330096.2); c.3542A>G, p.Asn1181Ser (NM_001330088.2); c.518A>G, p.Asn173Ser (NM_001330091.2, NM_001330092.2, NM_001330097.2 and 1 more transcripts); and 3 more; short protein forms N1181S, N1186S, N1207S, N1171S, N1204S, N1248S, N173S, N1200S.
Identifiers: ClinVar variation 2119485 (VCV002119485.4), dbSNP rs2468069613, ClinGen allele CA346819149.